The following is an entry in ClinVar:

NM_002471.4(MYH6):c.5526G>A (p.Met1842Ile)

Gene: MYH6 (myosin heavy chain 6; minus strand). Cytogenetic location: 14q11.2.
Variant type: single nucleotide variant.
Coding change: c.5526G>A on transcript NM_002471.4 (MANE Select); coding-DNA position 5526, G replaced by A.
Protein change: p.Met1842Ile; replaces methionine 1842 with isoleucine.
Molecular consequence: missense variant.
Genome position (GRCh38, 1-based): chr14:23,384,481, C>T on the plus strand (G>A on the coding strand, the complement: MYH6 is on the minus strand). VCF-style: chr14-23384481-C-T. GRCh37 (hg19) VCF-style: chr14-23853690-C-T.
Other names: short protein forms M1842I.
Identifiers: ClinVar variation 4614603 (VCV004614603.1).

ClinVar aggregate classification (germline): Uncertain significance (1 of 4 stars; one submission).

Conditions:
Cardiovascular phenotype. Identifiers: MedGen CN230736.

Submission:

Ambry Genetics
Classification: Uncertain significance for Cardiovascular phenotype. Last evaluated: 2025-09-28. Review status: criteria provided, single submitter. Criteria: Ambry Variant Classification Scheme 2023. Collection method: clinical testing. Allele origin: germline.
Comment: The p.M1842I variant (also known as c.5526G>A), located in coding exon 34 of the MYH6 gene, results from a G to A substitution at nucleotide position 5526. The methionine at codon 1842 is replaced by isoleucine, an amino acid with highly similar properties. This amino acid position is conserved. In addition, this alteration is predicted to be tolerated by in silico analysis. Based on the available evidence, the clinical significance of this variant remains unclear.